The following is an entry in ClinVar:

ClinVar aggregate classification (germline): Likely pathogenic (1 of 4 stars; one submission).

Submission:

Labcorp Genetics (formerly Invitae), Labcorp
Classification: Likely pathogenic. Last evaluated: 2023-08-17. Review status: criteria provided, single submitter. Criteria: Invitae Variant Classification Sherloc (09022015). Collection method: clinical testing. Allele origin: germline.
Comment: In summary, the currently available evidence indicates that the variant is pathogenic, but additional data are needed to prove that conclusively. Therefore, this variant has been classified as Likely Pathogenic. Algorithms developed to predict the effect of sequence changes on RNA splicing suggest that this variant may disrupt the consensus splice site. This variant has not been reported in the literature in individuals affected with NPHS1-related conditions. This variant is not present in population databases (gnomAD no frequency). This sequence change affects a donor splice site in intron 6 of the NPHS1 gene. It is expected to disrupt RNA splicing. Variants that disrupt the donor or acceptor splice site typically lead to a loss of protein function (PMID: 16199547), and loss-of-function variants in NPHS1 are known to be pathogenic (PMID: 11317351, 11854170, 12039988).

Literature cited by the submitters: PubMed 16199547; PubMed 11317351; PubMed 11854170; PubMed 12039988.

NM_004646.4(NPHS1):c.712+1G>A

Gene: NPHS1 (NPHS1 adhesion molecule, nephrin; minus strand). Cytogenetic location: 19q13.12.
Variant type: single nucleotide variant.
Coding change: c.712+1G>A on transcript NM_004646.4 (MANE Select); the canonical splice donor site of the intron after coding-DNA position 712, G replaced by A.
Molecular consequence: splice donor variant.
Genome position (GRCh38, 1-based): chr19:35,849,549, C>T on the plus strand (G>A on the coding strand, the complement: NPHS1 is on the minus strand). VCF-style: chr19-35849549-C-T. GRCh37 (hg19) VCF-style: chr19-36340451-C-T.
Identifiers: ClinVar variation 2753452 (VCV002753452.3), dbSNP rs2513779821, ClinGen allele CA405407901.